The following is an entry in ClinVar:

NM_194454.3(KRIT1):c.186del (p.Ser62fs)

Gene: KRIT1 (KRIT1 ankyrin repeat containing; minus strand). Cytogenetic location: 7q21.2.
Variant type: Deletion.
Coding change: c.186del on transcript NM_194454.3 (MANE Select); coding-DNA position 186, one base deleted (T; older notation c.186delT).
Protein change: p.Ser62fs; shifts the reading frame from serine 62.
Molecular consequence: frameshift variant. On other transcripts: 5 prime UTR variant (1).
Genome position (GRCh38, 1-based): chr7:92,241,069, A deleted on the plus strand (T on the coding strand, the reverse complement: KRIT1 is on the minus strand). VCF-style (leftmost placement, unchanged base first): chr7-92241068-CA-C. GRCh37 (hg19) VCF-style: chr7-91870382-CA-C.
Other names: c.186del, p.Ser62fs (NM_001350689.1, NM_001350690.1, NM_001350691.1 and 29 more transcripts); c.-398del (NM_001350671.1); short protein forms S62fs.
Identifiers: ClinVar variation 2023768 (VCV002023768.4), dbSNP rs2536104286, ClinGen allele CA2580077461.

ClinVar aggregate classification (germline): Pathogenic (1 of 4 stars; one submission).

Conditions:
Cerebral cavernous malformation (CCM). Also called: CAVERNOUS ANGIOMA, FAMILIAL; CAVERNOUS ANGIOMATOUS MALFORMATIONS; CEREBRAL CAPILLARY MALFORMATIONS; Cerebral cavernous hemangioma (type); Cerebral cavernous malformations; Cavernous Hemangioma of Brain. Identifiers: Orphanet 221061, MedGen C2919945, MONDO:0000820, OMIM 116860, HP:0033522.

Submission:

Labcorp Genetics (formerly Invitae), Labcorp
Classification: Pathogenic for Cerebral cavernous malformation. Last evaluated: 2022-08-12. Review status: criteria provided, single submitter. Criteria: Invitae Variant Classification Sherloc (09022015). Collection method: clinical testing. Allele origin: germline.
Comment: This sequence change creates a premature translational stop signal (p.Ser62Argfs*3) in the KRIT1 gene. It is expected to result in an absent or disrupted protein product. Loss-of-function variants in KRIT1 are known to be pathogenic (PMID: 10508515, 11222804, 12404106, 24689081). This variant is not present in population databases (gnomAD no frequency). This variant has not been reported in the literature in individuals affected with KRIT1-related conditions. For these reasons, this variant has been classified as Pathogenic.

Literature cited by the submitters: PubMed 10508515; PubMed 11222804; PubMed 12404106; PubMed 24689081.